The following is an entry in ClinVar:

ClinVar aggregate classification (germline): Uncertain significance (1 of 4 stars; one submission).

Conditions:
Osteogenesis imperfecta type I (OI1). Also called: Classic Non-deforming Osteogenesis Imperfecta with Blue Sclerae; Osteogenesis imperfecta type 1; OI, TYPE I; OSTEOGENESIS IMPERFECTA TARDA; OSTEOGENESIS IMPERFECTA WITH BLUE SCLERAE; Lobstein disease. Identifiers: Orphanet 216796, Orphanet 666, MedGen C0023931, MONDO:0008146, OMIM 166200. Disease mechanism: loss of function.

Submission:

Labcorp Genetics (formerly Invitae), Labcorp
Classification: Uncertain significance for Osteogenesis imperfecta type I. Last evaluated: 2020-11-11. Review status: criteria provided, single submitter. Criteria: Invitae Variant Classification Sherloc (09022015). Collection method: clinical testing. Allele origin: germline.
Comment: This sequence change replaces proline with serine at codon 877 of the COL1A1 protein (p.Pro877Ser). The proline residue is highly conserved and there is a moderate physicochemical difference between proline and serine. This variant is not present in population databases (ExAC no frequency). This variant has not been reported in the literature in individuals with COL1A1-related conditions. Advanced modeling of protein sequence and biophysical properties (such as structural, functional, and spatial information, amino acid conservation, physicochemical variation, residue mobility, and thermodynamic stability) performed at Invitae indicates that this missense variant is not expected to disrupt COL1A1 protein function. In summary, the available evidence is currently insufficient to determine the role of this variant in disease. Therefore, it has been classified as a Variant of Uncertain Significance.

NM_000088.4(COL1A1):c.2629C>T (p.Pro877Ser)

Gene: COL1A1 (collagen type I alpha 1 chain; minus strand). Cytogenetic location: 17q21.33.
Variant type: single nucleotide variant.
Coding change: c.2629C>T on transcript NM_000088.4 (MANE Select); coding-DNA position 2629, C replaced by T.
Protein change: p.Pro877Ser; replaces proline 877 with serine.
Molecular consequence: missense variant.
Genome position (GRCh38, 1-based): chr17:50,189,717, G>A on the plus strand (C>T on the coding strand, the complement: COL1A1 is on the minus strand). VCF-style: chr17-50189717-G-A. GRCh37 (hg19) VCF-style: chr17-48267078-G-A.
Other names: short protein forms P877S.
Identifiers: ClinVar variation 1346016 (VCV001346016.8), dbSNP rs2144551585, ClinGen allele CA400207079.